The following is an entry in ClinVar:

ClinVar aggregate classification (germline): Likely pathogenic (1 of 4 stars; one submission).

Conditions:
Dilated cardiomyopathy 1G (CMD1G). Identifiers: Orphanet 154, MedGen C1858763, MONDO:0011400, OMIM 604145.
Autosomal recessive limb-girdle muscular dystrophy type 2J (LGMDR10). Also called: Limb-girdle muscular dystrophy, type 2J; MUSCULAR DYSTROPHY, LIMB-GIRDLE, AUTOSOMAL RECESSIVE 10. Identifiers: Orphanet 140922, MedGen C1837342, MONDO:0012127, OMIM 608807.

Submission:

Labcorp Genetics (formerly Invitae), Labcorp
Classification: Likely pathogenic for Dilated cardiomyopathy 1G; Autosomal recessive limb-girdle muscular dystrophy type 2J. Last evaluated: 2024-11-30. Review status: criteria provided, single submitter. Criteria: Invitae Variant Classification Sherloc (09022015). Collection method: clinical testing. Allele origin: germline.
Comment: This sequence change creates a premature translational stop signal (p.Thr3050Serfs*13) in the TTN gene. While this is not anticipated to result in nonsense mediated decay, it is expected to create a truncated TTN protein. This variant is not present in population databases (gnomAD no frequency). This variant has not been reported in the literature in individuals affected with TTN-related conditions. This variant is located in the I band of TTN (PMID: 25589632). Truncating variants in this region have been reported in individuals affected with autosomal recessive centronuclear myopathy (PMID: 23975875, internal data). Truncating variants in this region have also been identified in individuals affected with autosomal dominant dilated cardiomyopathy and/or cardio-related conditions (PMID: 27869827, 32964742, internal data). In summary, the currently available evidence indicates that the variant is pathogenic, but additional data are needed to prove that conclusively. Therefore, this variant has been classified as Likely Pathogenic.

Literature cited by the submitters: PubMed 25589632; PubMed 23975875; PubMed 27869827; PubMed 32964742.

NM_001267550.2(TTN):c.9145_9148dup (p.Thr3050fs)

Gene: TTN (titin; minus strand). Cytogenetic location: 2q31.2.
Variant type: Duplication.
Coding change: c.9145_9148dup on transcript NM_001267550.2 (MANE Select); coding-DNA positions 9145 to 9148, 4 bases duplicated (GCCA; older notation c.9145_9148dupGCCA).
Protein change: p.Thr3050fs; shifts the reading frame from threonine 3050.
Molecular consequence: frameshift variant.
Genome position (GRCh38, 1-based): chr2:178,768,688-178,768,691, TGGC duplicated on the plus strand (GCCA on the coding strand, the reverse complement: TTN is on the minus strand); duplicating any 4 consecutive bases within chr2:178,768,688-178,768,693 gives the same sequence; the c. name uses the placement nearest the transcript's 3' end. VCF-style (leftmost placement, unchanged base first): chr2-178768687-G-GTGGC. GRCh37 (hg19) VCF-style: chr2-179633414-G-GTGGC.
Other names: c.9145_9148dup, p.Thr3050fs (NM_001256850.1, NM_133378.4, NM_133379.5); c.9007_9010dup, p.Thr3004fs (NM_003319.4, NM_133432.3, NM_133437.4); short protein forms T3004fs, T3050fs.
Identifiers: ClinVar variation 3759895 (VCV003759895.2).
Genomic context (GRCh38, chr2:178,768,687, plus strand): 5'-CATGTATGACATTTTTTCTATGGATCTAATATGTATGAAACCATACCTTCCACATAAAGT[G>GTGGC]TGGCTGTTGATGTTGCTTTTCCAGCCACAAAGGTGTAGTCAGCAGCATCCCCAAAGTGAA-3'